The following is an entry in ClinVar:

NM_002180.3(IGHMBP2):c.217G>A (p.Gly73Arg)

Gene: IGHMBP2 (immunoglobulin mu DNA binding protein 2; plus strand). Cytogenetic location: 11q13.3.
Variant type: single nucleotide variant.
Coding change: c.217G>A on transcript NM_002180.3 (MANE Select); coding-DNA position 217, G replaced by A.
Protein change: p.Gly73Arg; replaces glycine 73 with arginine.
Molecular consequence: missense variant.
Genome position (GRCh38, 1-based): chr11:68,906,199, G>A. VCF-style: chr11-68906199-G-A. GRCh37 (hg19) VCF-style: chr11-68673667-G-A.
Other names: short protein forms G73R.
Identifiers: ClinVar variation 534922 (VCV000534922.48), dbSNP rs376644749, ClinGen allele CA6153218.

ClinVar aggregate classification (germline): Uncertain significance. Review status: criteria provided, multiple submitters, no conflicts (2 of 4 stars). 3 submissions from 3 submitters: Uncertain significance (3). Last evaluated 2022-08-15.

Conditions:
Autosomal recessive distal spinal muscular atrophy 1. Also called: HMN VI; NEURONOPATHY, SEVERE INFANTILE AXONAL, WITH RESPIRATORY FAILURE; SEVERE INFANTILE AXONAL NEUROPATHY WITH RESPIRATORY FAILURE; SPINAL MUSCULAR ATROPHY, DIAPHRAGMATIC; Spinal muscular atrophy with respiratory distress 1; NEURONOPATHY, DISTAL HEREDITARY MOTOR, HARDING TYPE VI. Identifiers: Orphanet 98920, MedGen C1858517, MONDO:0011436, OMIM 604320.
Charcot-Marie-Tooth disease axonal type 2S. Also called: CHARCOT-MARIE-TOOTH NEUROPATHY, TYPE 2S; CHARCOT-MARIE-TOOTH DISEASE, AXONAL, AUTOSOMAL RECESSIVE, TYPE 2S. Identifiers: Orphanet 443073, MedGen C4015349, MONDO:0014511, OMIM 616155.

Allele frequency attached by ClinVar (database versions not stated): ExAC 0.00001; gnomAD exomes 0.00002; gnomAD 0.00003 and 0.00004; TOPMed 0.00003; ESP Exome Variant Server 0.00008.
gnomAD v4.1: 68 of 1,613,994 alleles (0.0042%); highest among the groups gnomAD compares: Non-Finnish European, 0.0053%; no homozygotes.

Submissions (3):

Labcorp Genetics (formerly Invitae), Labcorp
Classification: Uncertain significance for Autosomal recessive distal spinal muscular atrophy 1; Charcot-Marie-Tooth disease axonal type 2S. Last evaluated: 2022-08-15. Review status: criteria provided, single submitter. Criteria: Invitae Variant Classification Sherloc (09022015). Collection method: clinical testing. Allele origin: germline.
Comment: This sequence change replaces glycine, which is neutral and non-polar, with arginine, which is basic and polar, at codon 73 of the IGHMBP2 protein (p.Gly73Arg). This variant is present in population databases (rs376644749, gnomAD 0.004%). This variant has not been reported in the literature in individuals affected with IGHMBP2-related conditions. ClinVar contains an entry for this variant (Variation ID: 534922). Advanced modeling of protein sequence and biophysical properties (such as structural, functional, and spatial information, amino acid conservation, physicochemical variation, residue mobility, and thermodynamic stability) performed at Invitae indicates that this missense variant is not expected to disrupt IGHMBP2 protein function. Algorithms developed to predict the effect of sequence changes on RNA splicing suggest that this variant may disrupt the consensus splice site. In summary, the available evidence is currently insufficient to determine the role of this variant in disease. Therefore, it has been classified as a Variant of Uncertain Significance.

CeGaT Center for Human Genetics Tuebingen
Classification: Uncertain significance. Last evaluated: 2019-09-01. Review status: criteria provided, single submitter. Criteria: CeGaT Center For Human Genetics Tuebingen Variant Classification Criteria Version 2. Collection method: clinical testing. Allele origin: germline. Affected: yes. Observed: 1 variant allele.

Illumina Laboratory Services, Illumina
Classification: Uncertain significance for Autosomal recessive distal spinal muscular atrophy 1. Last evaluated: 2017-04-27. Review status: criteria provided, single submitter. Criteria: ICSL Variant Classification Criteria 13 December 2019. Collection method: clinical testing. Allele origin: germline.